The following is an entry in ClinVar:

NM_175614.4(NDUFA11):c.-234T>C

Genes: NDUFA11 (NADH:ubiquinone oxidoreductase subunit A11; minus strand), LOC112552175 (Sharpr-MPRA regulatory region 9916; plus strand). Cytogenetic location: 19p13.3.
Variant type: single nucleotide variant.
Coding change: c.-234T>C on transcript NM_175614.4; 234 bases upstream of the start codon, T replaced by C.
Genome position (GRCh38, 1-based): chr19:5,903,942, A>G on the plus strand (T>C on the coding strand, the complement: NDUFA11 is on the minus strand). VCF-style: chr19-5903942-A-G. GRCh37 (hg19) VCF-style: chr19-5903953-A-G.
Identifiers: ClinVar variation 330245 (VCV000330245.8), dbSNP rs115530541, ClinGen allele CA9119089.

ClinVar aggregate classification (germline): Likely benign. Review status: criteria provided, multiple submitters, no conflicts (2 of 4 stars). 2 submissions from 2 submitters: Likely benign (2). Last evaluated 2018-01-12.

Conditions:
Mitochondrial complex I deficiency, nuclear type 1. Also called: NADH-COENZYME Q REDUCTASE DEFICIENCY; MITOCHONDRIAL NADH DEHYDROGENASE COMPONENT OF COMPLEX I, DEFICIENCY OF. Identifiers: MedGen C6022305, MONDO:0100224, OMIM 252010.

Allele frequency attached by ClinVar (database versions not stated): gnomAD exomes 0.00213 and 0.00355; ExAC 0.00277; 1000 Genomes Project 30x 0.01655; gnomAD 0.01445 and 0.01556; TOPMed 0.01620; 1000 Genomes Project 0.01577.

Submissions (2):

Illumina Laboratory Services, Illumina
Classification: Likely benign for Mitochondrial complex I deficiency, nuclear type 1. Last evaluated: 2018-01-12. Review status: criteria provided, single submitter. Criteria: ICSL Variant Classification Criteria 13 December 2019. Collection method: clinical testing. Allele origin: germline.
Comment: This variant was observed in the ICSL laboratory as part of a predisposition screen in an ostensibly healthy population. It had not been previously curated by ICSL or reported in the Human Gene Mutation Database (HGMD: prior to June 1st, 2018), and was therefore a candidate for classification through an automated scoring system. Utilizing variant allele frequency, disease prevalence and penetrance estimates, and inheritance mode, an automated score was calculated to assess if this variant is too frequent to cause the disease. Based on the score and internal cut-off values, a variant classified as likely benign is not then subjected to further curation. The score for this variant resulted in a classification of likely benign for this disease.

Breakthrough Genomics
Classification: Likely benign. Review status: criteria provided, single submitter. Criteria: ACMG Guidelines, 2015. Collection method: not provided. Allele origin: germline. Inheritance: Autosomal recessive inheritance. Affected: yes.